The following is an entry in ClinVar:

ClinVar aggregate classification (germline): Likely benign. Review status: criteria provided, multiple submitters, no conflicts (2 of 4 stars). 2 submissions from 2 submitters: Likely benign (2). Last evaluated 2025-02-25.

Conditions:
Breast-ovarian cancer, familial, susceptibility to, 4. Identifiers: Orphanet 145, MedGen C3280345, MONDO:0013669, OMIM 614291.

Submissions (2):

Myriad Genetics, Inc.
Classification: Likely benign for Breast-ovarian cancer, familial, susceptibility to, 4. Last evaluated: 2025-02-25. Review status: criteria provided, single submitter. Criteria: Myriad Autosomal Dominant, Autosomal Recessive and X-Linked Classification Criteria (2023). Collection method: clinical testing. Allele origin: unknown.
Comment: This variant is considered likely benign. This variant is intronic and is not expected to impact mRNA splicing.

Labcorp Genetics (formerly Invitae), Labcorp
Classification: Likely benign for Breast-ovarian cancer, familial, susceptibility to, 4. Last evaluated: 2021-08-17. Review status: criteria provided, single submitter. Criteria: Invitae Variant Classification Sherloc (09022015). Collection method: clinical testing. Allele origin: germline.

NM_002878.4(RAD51D):c.904-12TTC[4]

Genes: RAD51D (RAD51 paralog D; minus strand), RAD51L3-RFFL (RAD51L3-RFFL readthrough; minus strand). Cytogenetic location: 17q12.
Variant type: Microsatellite.
Coding change: c.904-12TTC[4] on transcript NM_002878.4 (MANE Select); four copies in a row of the 3-base unit TTC starting at c.904-12; the reference has three copies in a row; one copy, 3 bases duplicated.
Molecular consequence: intron variant.
Genome position (GRCh38, 1-based): chr17:35,101,040-35,101,042, GAA duplicated on the plus strand (TTC on the coding strand, the reverse complement: RAD51D is on the minus strand); duplicating any 3 consecutive bases within chr17:35,101,040-35,101,049 gives the same sequence; the position shown is the placement nearest the transcript's 3' end. VCF-style (leftmost placement, unchanged base first): chr17-35101039-G-GGAA. GRCh37 (hg19) VCF-style: chr17-33428058-G-GGAA.
Other names: c.568-12TTC[4] (NM_133629.3); c.964-12TTC[4] (NM_001142571.2).
Identifiers: ClinVar variation 1533997 (VCV001533997.9), dbSNP rs779850240, ClinGen allele CA2580612608.